The following is an entry in ClinVar:

ClinVar aggregate classification (germline): Uncertain significance. Review status: criteria provided, multiple submitters, no conflicts (2 of 4 stars). 3 submissions from 3 submitters: Uncertain significance (3). Last evaluated 2026-07-28.

Conditions:
Nephronophthisis 15 (NPHP15). Identifiers: Orphanet 3156, MedGen C3541853, MONDO:0013917, OMIM 614845.
CEP164-related disorder. Also called: CEP164-related condition.

Submissions (3):

PreventionGenetics, part of Exact Sciences
Classification: Uncertain significance for CEP164-related condition. Last evaluated: 2026-07-28. Review status: criteria provided, single submitter. Criteria: ACMG Guidelines, 2015. Collection method: clinical testing. Allele origin: germline.
Comment: The CEP164 c.966G>C variant is predicted to result in the amino acid substitution p.Lys322Asn. To our knowledge, this variant has not been reported in the literature or in a large population database (gnomAD), indicating this variant is rare. At this time, the clinical significance of this variant is uncertain due to the absence of conclusive functional and genetic evidence.

Fulgent Genetics
Classification: Uncertain significance for Nephronophthisis 15. Last evaluated: 2024-04-08. Review status: criteria provided, single submitter. Criteria: ACMG Guidelines, 2015. Collection method: clinical testing. Allele origin: germline.

Labcorp Genetics (formerly Invitae), Labcorp
Classification: Uncertain significance for Nephronophthisis 15. Last evaluated: 2022-05-27. Review status: criteria provided, single submitter. Criteria: Invitae Variant Classification Sherloc (09022015). Collection method: clinical testing. Allele origin: germline.
Comment: ClinVar contains an entry for this variant (Variation ID: 845169). In summary, the available evidence is currently insufficient to determine the role of this variant in disease. Therefore, it has been classified as a Variant of Uncertain Significance. Algorithms developed to predict the effect of missense changes on protein structure and function (SIFT, PolyPhen-2, Align-GVGD) all suggest that this variant is likely to be tolerated. This variant has not been reported in the literature in individuals affected with CEP164-related conditions. This variant is not present in population databases (gnomAD no frequency). This sequence change replaces lysine, which is basic and polar, with asparagine, which is neutral and polar, at codon 322 of the CEP164 protein (p.Lys322Asn).

NM_014956.5(CEP164):c.966G>C (p.Lys322Asn)

Gene: CEP164 (centrosomal protein 164; plus strand). Cytogenetic location: 11q23.3.
Variant type: single nucleotide variant.
Coding change: c.966G>C on transcript NM_014956.5 (MANE Select); coding-DNA position 966, G replaced by C.
Protein change: p.Lys322Asn; replaces lysine 322 with asparagine.
Molecular consequence: missense variant.
Genome position (GRCh38, 1-based): chr11:117,371,280, G>C. VCF-style: chr11-117371280-G-C. GRCh37 (hg19) VCF-style: chr11-117241996-G-C.
Other names: c.966G>C, p.Lys322Asn (NM_001271933.2); short protein forms K322N.
Identifiers: ClinVar variation 845169 (VCV000845169.11), dbSNP rs2042170733, ClinGen allele CA382737516.